The following is an entry in ClinVar:

NM_004360.5(CDH1):c.2384C>T (p.Pro795Leu)

Gene: CDH1 (cadherin 1; plus strand). Cytogenetic location: 16q22.1.
Variant type: single nucleotide variant.
Coding change: c.2384C>T on transcript NM_004360.5 (MANE Select); coding-DNA position 2384, C replaced by T.
Protein change: p.Pro795Leu; replaces proline 795 with leucine.
Molecular consequence: missense variant.
Genome position (GRCh38, 1-based): chr16:68,829,742, C>T. VCF-style: chr16-68829742-C-T. GRCh37 (hg19) VCF-style: chr16-68863645-C-T.
Other names: c.2201C>T, p.Pro734Leu (NM_001317184.2); c.836C>T, p.Pro279Leu (NM_001317185.2); c.419C>T, p.Pro140Leu (NM_001317186.2); short protein forms P140L, P734L, P795L, P279L.
Identifiers: ClinVar variation 1046930 (VCV001046930.9), dbSNP rs1555517888, ClinGen allele CA396471153.

ClinVar aggregate classification (germline): Uncertain significance (1 of 4 stars; one submission).

Conditions:
Hereditary diffuse gastric adenocarcinoma (HDGC). Also called: DIFFUSE GASTRIC AND LOBULAR BREAST CANCER SYNDROME. Identifiers: Orphanet 26106, MedGen C1708349, MONDO:0007648, OMIM 137215.

Submission:

Labcorp Genetics (formerly Invitae), Labcorp
Classification: Uncertain significance for Hereditary diffuse gastric adenocarcinoma. Last evaluated: 2020-10-07. Review status: criteria provided, single submitter. Criteria: Invitae Variant Classification Sherloc (09022015). Collection method: clinical testing. Allele origin: germline.
Comment: In summary, the available evidence is currently insufficient to determine the role of this variant in disease. Therefore, it has been classified as a Variant of Uncertain Significance. Algorithms developed to predict the effect of missense changes on protein structure and function are either unavailable or do not agree on the potential impact of this missense change (SIFT: "Deleterious"; PolyPhen-2: "Probably Damaging"; Align-GVGD: "Class C0"). This variant has not been reported in the literature in individuals with CDH1-related conditions. This variant is not present in population databases (ExAC no frequency). This sequence change replaces proline with leucine at codon 795 of the CDH1 protein (p.Pro795Leu). The proline residue is highly conserved and there is a moderate physicochemical difference between proline and leucine.